The following is an entry in ClinVar:

ClinVar aggregate classification (germline): Uncertain significance (1 of 4 stars; one submission).

Conditions:
Fabry disease. Also called: ALPHA-GALACTOSIDASE A DEFICIENCY; ANDERSON-FABRY DISEASE; CERAMIDE TRIHEXOSIDASE DEFICIENCY; GLA DEFICIENCY; HEREDITARY DYSTOPIC LIPIDOSIS; Angiokeratoma corporis diffusum. Identifiers: Orphanet 324, MedGen C0002986, MONDO:0010526, OMIM 301500, HP:0001071. Disease mechanism: Fabry disease is due to inactivating mutations in the X-linked GLA gene resulting in deficiency of the enzyme Alpha Galactosidase-A., loss of function.

Submission:

Genomenon, Inc
Classification: Uncertain significance for Fabry disease. Last evaluated: 2026-09-08. Review status: criteria provided, single submitter. Criteria: Genomenon Sequence Variant Interpretation Standards - Updated. Collection method: curation. Allele origin: germline. Affected: yes.
Comment: GLA p.Asn53Lys (c.159C>G) is a missense variant that changes the amino acid at codon 53 from Asparagine to Lysine. This variant has been observed in at least one proband with clinical features consistent with Fabry disease (PMID:29476735). Functional or patient cell studies have been reported (PMID:29476735). It is absent or not present at a significant frequency in gnomAD. In conclusion, we classify GLA p.Asn53Lys (c.159C>G) as a variant of uncertain significance.

Literature cited by the submitters: PubMed 29476735.

NM_000169.3(GLA):c.159C>G (p.Asn53Lys)

Genes: GLA (galactosidase alpha; minus strand), RPL36A-HNRNPH2 (RPL36A-HNRNPH2 readthrough; plus strand). Cytogenetic location: Xq22.1.
Variant type: single nucleotide variant.
Coding change: c.159C>G on transcript NM_000169.3 (MANE Select); coding-DNA position 159, C replaced by G.
Protein change: p.Asn53Lys; replaces asparagine 53 with lysine.
Molecular consequence: missense variant. On other transcripts: non-coding transcript variant (3), intron variant (2).
Genome position (GRCh38, 1-based): chrX:101,407,745, G>C on the plus strand (C>G on the coding strand, the complement: GLA is on the minus strand). VCF-style: chrX-101407745-G-C. GRCh37 (hg19) VCF-style: chrX-100662733-G-C.
Other names: c.159C>G, p.Asn53Lys (NM_001406747.1, NM_001406748.1, NM_001406749.1); c.301-4191G>C (NM_001199973.2); c.178-4191G>C (NM_001199974.2); short protein forms N53K.
Identifiers: ClinVar variation 4087286 (VCV004087286.2).
Genomic context (GRCh38, chrX:101,407,745, plus strand): 5'-GAAGGGAGTACCCAATATCTGATACCTGATGCAGGAATCTGGCTCTTCCTGGCAGTCAAG[G>C]TTGCACATGAAGCGCTCCCAGTGCAGCCAGCCCATGGTAGGCGTCCTTGCCAATCCATTG-3'
Protein context (NP_000160.1, residues 43-63): GWLHWERFMC[Asn53Lys]LDCQEEPDSC